The following is an entry in ClinVar:

NM_000064.4(C3):c.4824C>T (p.Ser1608=)

Gene: C3 (complement C3; minus strand). Cytogenetic location: 19p13.3.
Variant type: single nucleotide variant.
Coding change: c.4824C>T on transcript NM_000064.4 (MANE Select); coding-DNA position 4824, C replaced by T.
Protein change: p.Ser1608=; no amino-acid change (serine 1608 retained).
Molecular consequence: synonymous variant.
Genome position (GRCh38, 1-based): chr19:6,678,178, G>A on the plus strand (C>T on the coding strand, the complement: C3 is on the minus strand). VCF-style: chr19-6678178-G-A. GRCh37 (hg19) VCF-style: chr19-6678189-G-A.
Other names: p.Ser1608=.
Identifiers: ClinVar variation 758206 (VCV000758206.27), dbSNP rs139457470, ClinGen allele CA9128246.

ClinVar aggregate classification (germline): Conflicting classifications of pathogenicity. Review status: criteria provided, conflicting classifications (1 of 4 stars). 9 submissions from 7 submitters: Uncertain significance (2); Likely benign (6). 1 of the submissions does not count toward it. Last evaluated 2026-01-11.

Conditions:
C3-related disorder. Also called: C3-related condition.
Complement component 3 deficiency. Identifiers: Orphanet 280133, MedGen C3151071, MONDO:0013417, OMIM 613779.
Atypical hemolytic-uremic syndrome with C3 anomaly. Also called: AHUS, SUSCEPTIBILITY TO, 5. Identifiers: Orphanet 2134, MedGen C2752037, MONDO:0013043, OMIM 612925.
Age related macular degeneration 9. Identifiers: MedGen C1969651, MONDO:0012659, OMIM 611378.

Allele frequency attached by ClinVar (database versions not stated): gnomAD exomes 0.00022 and 0.00021; ESP Exome Variant Server 0.00023; TOPMed 0.00028; gnomAD 0.00030 and 0.00034; ExAC 0.00015.
gnomAD v4.1: 393 of 1,614,080 alleles (0.024%); highest among the groups gnomAD compares: Admixed American, 0.088%; no homozygotes.

Submissions (9):

Labcorp Genetics (formerly Invitae), Labcorp
Classification: Likely benign. Last evaluated: 2026-01-11. Review status: criteria provided, single submitter. Criteria: Invitae Variant Classification Sherloc (09022015). Collection method: clinical testing. Allele origin: germline.

CeGaT Center for Human Genetics Tuebingen
Classification: Likely benign. Last evaluated: 2025-06-01. Review status: criteria provided, single submitter. Criteria: CeGaT Center For Human Genetics Tuebingen Variant Classification Criteria Version 2. Collection method: clinical testing. Allele origin: germline. Affected: yes. Observed: 1 variant allele.
Comment: C3: BP4

Mayo Clinic Laboratories, Mayo Clinic
Classification: Likely benign. Last evaluated: 2025-03-23. Review status: criteria provided, single submitter. Criteria: ACMG Guidelines, 2015. Collection method: clinical testing. Allele origin: germline. Observed: 2 variant alleles.
Comment: BP4, BP7

Blueprint Genetics
Classification: Likely benign. Last evaluated: 2024-11-13. Review status: criteria provided, single submitter. Criteria: ACMG Guidelines, 2015. Collection method: clinical testing. Allele origin: germline.

Women's Health and Genetics/Laboratory Corporation of America, LabCorp
Classification: Likely benign. Last evaluated: 2024-05-15. Review status: criteria provided, single submitter. Criteria: LabCorp Variant Classification Summary - May 2015. Collection method: clinical testing. Allele origin: germline.
Comment: Variant summary: C3 c.4824C>T alters a non-conserved nucleotide resulting in a synonymous change. Consensus agreement among computation tools predict no significant impact on normal splicing. However, these predictions have yet to be confirmed by functional studies. The variant allele was found at a frequency of 0.00021 in 251458 control chromosomes. To our knowledge, no occurrence of c.4824C>T in individuals affected with Age-related Macular Degeneration and no experimental evidence demonstrating its impact on protein function have been reported. ClinVar contains an entry for this variant (Variation ID: 758206). Based on the evidence outlined above, the variant was classified as likely benign.

Illumina Laboratory Services, Illumina
Classification: Likely benign for Atypical hemolytic-uremic syndrome with C3 anomaly. Last evaluated: 2018-01-12. Review status: criteria provided, single submitter. Criteria: ICSL Variant Classification Criteria 13 December 2019. Collection method: clinical testing. Allele origin: germline.
Comment: This variant was observed in the ICSL laboratory as part of a predisposition screen in an ostensibly healthy population. It had not been previously curated by ICSL or reported in the Human Gene Mutation Database (HGMD: prior to June 1st, 2018), and was therefore a candidate for classification through an automated scoring system. Utilizing variant allele frequency, disease prevalence and penetrance estimates, and inheritance mode, an automated score was calculated to assess if this variant is too frequent to cause the disease. Based on the score and internal cut-off values, a variant classified as likely benign is not then subjected to further curation. The score for this variant resulted in a classification of likely benign for this disease.

Illumina Laboratory Services, Illumina
Classification: Uncertain significance for Age related macular degeneration 9. Last evaluated: 2018-01-12. Review status: criteria provided, single submitter. Criteria: ICSL Variant Classification Criteria 13 December 2019. Collection method: clinical testing. Allele origin: germline.

Illumina Laboratory Services, Illumina
Classification: Uncertain significance for Complement component 3 deficiency. Last evaluated: 2018-01-12. Review status: criteria provided, single submitter. Criteria: ICSL Variant Classification Criteria 13 December 2019. Collection method: clinical testing. Allele origin: germline.

PreventionGenetics, part of Exact Sciences
Classification: Likely benign for C3-related condition. Last evaluated: 2024-07-03. Review status: no assertion criteria provided. Collection method: clinical testing. Allele origin: germline. Not counted in ClinVar's aggregate classification.
Comment: This variant is classified as likely benign based on ACMG/AMP sequence variant interpretation guidelines (Richards et al. 2015 PMID: 25741868, with internal and published modifications).